The following is an entry in ClinVar:

ClinVar aggregate classification (germline): Pathogenic. Review status: reviewed by expert panel (3 of 4 stars). 2 submissions from 2 submitters: Pathogenic (1). 1 of the submissions does not count toward it. Last evaluated 2017-12-15.

Conditions:
Familial cancer of breast. Also called: hereditary breast carcinoma; BREAST CANCER, FAMILIAL; Hereditary breast cancer. Identifiers: Orphanet 227535, MedGen C0346153, MONDO:0016419, OMIM 114480. Disease mechanism: loss of function.
Breast-ovarian cancer, familial, susceptibility to, 1 (BROVCA1). Also called: BRCA1 Hereditary Breast and Ovarian Cancer; OVARIAN CANCER, SUSCEPTIBILITY TO. Identifiers: Orphanet 145, MedGen C2676676, MONDO:0011450, OMIM 604370. Disease mechanism: loss of function.

Submissions (2):

Evidence-based Network for the Interpretation of Germline Mutant Alleles (ENIGMA)
Classification: Pathogenic for Breast-ovarian cancer, familial, susceptibility to, 1. Last evaluated: 2017-12-15. Review status: reviewed by expert panel. Criteria: ENIGMA BRCA1/2 Classification Criteria (2017-06-29). Collection method: curation. Allele origin: germline. Study: ENIGMA.
Comment: Variant allele predicted to encode a truncated non-functional protein.

ClinVar Staff, National Center for Biotechnology Information (NCBI)
No classification provided. Condition: Familial cancer of breast. Review status: no classification provided. Collection method: literature only. Allele origin: germline. Affected: yes. Not counted in ClinVar's aggregate classification.

Literature cited by the submitters: PubMed 10480358 (cited by ClinVar Staff, National Center for Biotechnology Information (NCBI)).

NM_007294.4(BRCA1):c.3481del (p.Glu1161fs)

Genes: BRCA1 (BRCA1 DNA repair associated; minus strand), LOC126862571 (BRD4-independent group 4 enhancer GRCh37_chr17:41243136-41244335; plus strand). Cytogenetic location: 17q21.31.
Variant type: Deletion.
Coding change: c.3481del on transcript NM_007294.4 (MANE Select); coding-DNA position 3481, one base deleted (G; older notation c.3481delG).
Protein change: p.Glu1161fs; shifts the reading frame from glutamic acid 1161.
Molecular consequence: frameshift variant. On other transcripts: intron variant (135).
Genome position (GRCh38, 1-based): chr17:43,092,050, C deleted on the plus strand (G on the coding strand, the reverse complement: BRCA1 is on the minus strand); the first of 2 consecutive C bases (chr17:43,092,050-43,092,051); deleting either gives the same sequence. VCF-style (leftmost placement, unchanged base first): chr17-43092049-TC-T. GRCh37 (hg19) VCF-style: chr17-41244066-TC-T.
Other names: c.3478del, p.Glu1160fs (NM_001407644.1, NM_001407645.1, NM_001407860.1 and 22 more transcripts); c.3472del, p.Glu1158fs (NM_001407646.1, NM_001407647.1); c.3358del, p.Glu1120fs (NM_001407648.1, NM_001407664.1, NM_001407665.1 and 19 more transcripts); c.3355del, p.Glu1119fs (NM_001407649.1, NM_001407670.1, NM_001407671.1 and 11 more transcripts); c.3481del, p.Glu1161fs (NM_001407652.1, NM_001407684.1, NM_001407854.1 and 30 more transcripts); c.3403del, p.Glu1135fs (NM_001407653.1, NM_001407654.1, NM_001407655.1 and 4 more transcripts); c.3400del, p.Glu1134fs (NM_001407659.1, NM_001407660.1, NM_001407661.1 and 1 more transcripts); c.3340del, p.Glu1114fs (NM_001407692.1, NM_001407694.1, NM_001407695.1 and 29 more transcripts); and 42 more; short protein forms E1114fs, E1161fs, E1034fs, E1050fs, E1073fs, E1090fs, E1093fs, E1120fs.
Identifiers: ClinVar variation 54898 (VCV000054898.3), dbSNP rs397509074, ClinGen allele CA002245.
Genomic context (GRCh38, chr17:43,092,049, plus strand): 5'-ACGCTTTTGCTAAAAACAGCAGAACTTTCCTTAATGTCATTTTCAGCAAAACTAGTATCT[TC>T]CTTTATTTCACCATCATCTAACAGGTCATCAGGTGTCTCAGAACAAACCTGAGATGCATG-3'